The following is an entry in ClinVar:

NM_001037.5(SCN1B):c.366C>T (p.His122=)

Gene: SCN1B (sodium voltage-gated channel beta subunit 1; plus strand). Cytogenetic location: 19q13.11.
Variant type: single nucleotide variant.
Coding change: c.366C>T on transcript NM_001037.5 (MANE Select); coding-DNA position 366, C replaced by T.
Protein change: p.His122=; no amino-acid change (histidine 122 retained).
Molecular consequence: synonymous variant.
Genome position (GRCh38, 1-based): chr19:35,033,657, C>T. VCF-style: chr19-35033657-C-T. GRCh37 (hg19) VCF-style: chr19-35524561-C-T.
Other names: c.267C>T, p.His89= (NM_001321605.2); c.366C>T, p.His122= (NM_199037.5).
Identifiers: ClinVar variation 512011 (VCV000512011.12), dbSNP rs761207251, ClinGen allele CA9372007.

ClinVar aggregate classification (germline): Likely benign. Review status: criteria provided, multiple submitters, no conflicts (2 of 4 stars). 4 submissions from 4 submitters: Likely benign (4). Last evaluated 2024-11-02.

Conditions:
Cardiovascular phenotype. Identifiers: MedGen CN230736.
Brugada syndrome 5 (BRGDA5). Identifiers: Orphanet 130, Orphanet 871, MedGen C2748541, MONDO:0013015, OMIM 612838.

Allele frequency attached by ClinVar (database versions not stated): gnomAD 0.00003; TOPMed 0.00004.

Submissions (4):

Labcorp Genetics (formerly Invitae), Labcorp
Classification: Likely benign for Brugada syndrome 5. Last evaluated: 2024-11-02. Review status: criteria provided, single submitter. Criteria: Invitae Variant Classification Sherloc (09022015). Collection method: clinical testing. Allele origin: germline.

Blueprint Genetics
Classification: Likely benign. Last evaluated: 2024-05-10. Review status: criteria provided, single submitter. Criteria: ACMG Guidelines, 2015. Collection method: clinical testing. Allele origin: germline.

Ambry Genetics
Classification: Likely benign for Cardiovascular phenotype. Last evaluated: 2021-03-26. Review status: criteria provided, single submitter. Criteria: Ambry Variant Classification Scheme 2023. Collection method: clinical testing. Allele origin: germline.

GeneDx
Classification: Likely benign. Last evaluated: 2017-09-12. Review status: criteria provided, single submitter. Criteria: GeneDx Variant Classification (06012015). Collection method: clinical testing. Allele origin: germline. Affected: yes.
Comment: This variant is considered likely benign or benign based on one or more of the following criteria: it is a conservative change, it occurs at a poorly conserved position in the protein, it is predicted to be benign by multiple in silico algorithms, and/or has population frequency not consistent with disease.